The following is an entry in ClinVar:

ClinVar aggregate classification (germline): Pathogenic (1 of 4 stars; one submission).

Submission:

GeneDx
Classification: Pathogenic. Last evaluated: 2017-01-25. Review status: criteria provided, single submitter. Criteria: GeneDx Variant Classification (06012015). Collection method: clinical testing. Allele origin: germline. Affected: yes.
Comment: This deletion of two nucleotides in MSH6 is denoted c.864_865delAG at the cDNA level and p.Gly289ProfsX22 (G289PfsX22) at the protein level. The normal sequence, with the bases that are deleted in brackets, is GTGA[delAG]GCCT. The deletion causes a frameshift which changes a Glycine to a Proline at codon 289, and creates a premature stop codon at position 22 of the new reading frame. Although this variant has not, to our knowledge, been reported in the literature, it is predicted to cause loss of normal protein function through either protein truncation or nonsense-mediated mRNA decay. We consider this variant to be pathogenic.

NM_000179.3(MSH6):c.864_865del (p.Gly289fs)

Gene: MSH6 (mutS homolog 6; plus strand). Cytogenetic location: 2p16.3.
Variant type: Deletion.
Coding change: c.864_865del on transcript NM_000179.3 (MANE Select); coding-DNA positions 864 to 865, 2 bases deleted (AG; older notation c.864_865delAG).
Protein change: p.Gly289fs; shifts the reading frame from glycine 289.
Molecular consequence: frameshift variant. On other transcripts: 5 prime UTR variant (2).
Genome position (GRCh38, 1-based): chr2:47,798,847-47,798,848, AG deleted. VCF-style (leftmost placement, unchanged base first): chr2-47798846-AAG-A. GRCh37 (hg19) VCF-style: chr2-48025985-AAG-A.
Other names: c.474_475del, p.Gly159fs (NM_001281492.2); c.-43_-42del (NM_001281493.2, NM_001281494.2); c.864_865delAG (NM_000179.2); short protein forms G159fs, G289fs.
Identifiers: ClinVar variation 545762 (VCV000545762.2), dbSNP rs1553412294, ClinGen allele CA658823257.
Genomic context (GRCh38, chr2:47,798,846, plus strand): 5'-ACACTAAGGAGGAAGGAAGCAGTGATGAAATAAGCAGTGGAGTGGGGGATAGTGAGAGTG[AAG>A]GCCTGAACAGCCCTGTCAAAGTTGCTCGAAAGCGGAAGAGAATGGTGACTGGAAATGGCT-3'